The following is an entry in ClinVar:

NM_020247.5(COQ8A):c.1406A>C (p.Tyr469Ser)

Gene: COQ8A (coenzyme Q8A; plus strand). Cytogenetic location: 1q42.13.
Variant type: single nucleotide variant.
Coding change: c.1406A>C on transcript NM_020247.5 (MANE Select); coding-DNA position 1406, A replaced by C.
Protein change: p.Tyr469Ser; replaces tyrosine 469 with serine.
Molecular consequence: missense variant.
Genome position (GRCh38, 1-based): chr1:226,984,555, A>C. VCF-style: chr1-226984555-A-C. GRCh37 (hg19) VCF-style: chr1-227172256-A-C.
Other names: short protein forms Y469S.
Identifiers: ClinVar variation 2124768 (VCV002124768.4), dbSNP rs1326582121, ClinGen allele CA345055529.

ClinVar aggregate classification (germline): Uncertain significance (1 of 4 stars; one submission).

Submission:

Labcorp Genetics (formerly Invitae), Labcorp
Classification: Uncertain significance. Last evaluated: 2022-04-11. Review status: criteria provided, single submitter. Criteria: Invitae Variant Classification Sherloc (09022015). Collection method: clinical testing. Allele origin: germline.
Comment: In summary, the available evidence is currently insufficient to determine the role of this variant in disease. Therefore, it has been classified as a Variant of Uncertain Significance. Advanced modeling of protein sequence and biophysical properties (such as structural, functional, and spatial information, amino acid conservation, physicochemical variation, residue mobility, and thermodynamic stability) performed at Invitae indicates that this missense variant is not expected to disrupt COQ8A protein function. This variant has not been reported in the literature in individuals affected with COQ8A-related conditions. This variant is not present in population databases (gnomAD no frequency). This sequence change replaces tyrosine, which is neutral and polar, with serine, which is neutral and polar, at codon 469 of the COQ8A protein (p.Tyr469Ser).